The following is an entry in ClinVar:

ClinVar aggregate classification (germline): Uncertain significance (1 of 4 stars; one submission).

Submission:

GeneDx
Classification: Uncertain significance. Last evaluated: 2023-12-10. Review status: criteria provided, single submitter. Criteria: GeneDx Variant Classification Process June 2021. Collection method: clinical testing. Allele origin: germline. Affected: yes.
Comment: Not observed at significant frequency in large population cohorts (gnomAD); In silico analysis supports that this missense variant has a deleterious effect on protein structure/function; Has not been previously published as pathogenic or benign to our knowledge; This variant is associated with the following publications: (PMID: 27311832)

NM_004380.3(CREBBP):c.5510A>C (p.Lys1837Thr)

Gene: CREBBP (CREB binding protein; minus strand). Cytogenetic location: 16p13.3.
Variant type: single nucleotide variant.
Coding change: c.5510A>C on transcript NM_004380.3 (MANE Select); coding-DNA position 5510, A replaced by C.
Protein change: p.Lys1837Thr; replaces lysine 1837 with threonine.
Molecular consequence: missense variant.
Genome position (GRCh38, 1-based): chr16:3,729,537, T>G on the plus strand (A>C on the coding strand, the complement: CREBBP is on the minus strand). VCF-style: chr16-3729537-T-G. GRCh37 (hg19) VCF-style: chr16-3779538-T-G.
Other names: c.5396A>C, p.Lys1799Thr (NM_001079846.1); short protein forms K1799T, K1837T.
Identifiers: ClinVar variation 3365183 (VCV003365183.1).
Genomic context (GRCh38, chr16:3,729,537, plus strand): 5'-TGCTGGATCTGCTGCTGGCGGAGCTTGTGTTTGATGTTGAGGCAGAAGGGCACGGGGCAT[T>G]TGTTTTCTTGGCAGTGCTTGGCGTGGTAGCAGCAGAGGGCGATGAGCTGCTTGCACACCG-3'
Protein context (NP_004371.2, residues 1827-1847): CYHAKHCQEN[Lys1837Thr]CPVPFCLNIK